The following is an entry in ClinVar:

NM_020719.3(PRR12):c.5306G>A (p.Arg1769Gln)

Gene: PRR12 (proline rich 12; plus strand). Cytogenetic location: 19q13.33.
Variant type: single nucleotide variant.
Coding change: c.5306G>A on transcript NM_020719.3 (MANE Select); coding-DNA position 5306, G replaced by A.
Protein change: p.Arg1769Gln; replaces arginine 1769 with glutamine.
Molecular consequence: missense variant.
Genome position (GRCh38, 1-based): chr19:49,616,028, G>A. VCF-style: chr19-49616028-G-A. GRCh37 (hg19) VCF-style: chr19-50119285-G-A.
Other names: short protein forms R1769Q.
Identifiers: ClinVar variation 2402021 (VCV002402021.2), dbSNP rs1010070725, ClinGen allele CA309490188.

ClinVar aggregate classification (germline): Uncertain significance (1 of 4 stars; one submission).

Conditions:
Inborn genetic diseases. Identifiers: MedGen C0950123, MeSH D030342.

Allele frequency attached by ClinVar (database versions not stated): gnomAD exomes 0.00001; TOPMed 0.00003; gnomAD 0.00004.
gnomAD v4.1: 18 of 1,555,328 alleles (0.0012%); highest among the groups gnomAD compares: Admixed American, 0.0059%; no homozygotes.

Submission:

Ambry Genetics
Classification: Uncertain significance for Inborn genetic diseases. Last evaluated: 2021-01-28. Review status: criteria provided, single submitter. Criteria: Ambry Variant Classification Scheme 2023. Collection method: clinical testing. Allele origin: germline.
Comment: The c.5306G>A (p.R1769Q) alteration is located in exon 9 (coding exon 9) of the PRR12 gene. This alteration results from a G to A substitution at nucleotide position 5306, causing the arginine (R) at amino acid position 1769 to be replaced by a glutamine (Q). The p.R1769Q alteration is predicted to be tolerated by in silico analysis. Based on insufficient or conflicting evidence, the clinical significance of this alteration remains unclear.